The following is an entry in ClinVar:

ClinVar aggregate classification (germline): Uncertain significance. Review status: criteria provided, multiple submitters, no conflicts (2 of 4 stars). 2 submissions from 2 submitters: Uncertain significance (2). Last evaluated 2025-01-28.

Allele frequency attached by ClinVar (database versions not stated): ExAC 0.00001; gnomAD exomes 0.00001; TOPMed 0.00005; gnomAD 0.00006; ESP Exome Variant Server 0.00008.

Submissions (2):

Ambry Genetics
Classification: Uncertain significance. Last evaluated: 2025-01-28. Review status: criteria provided, single submitter. Criteria: Ambry Variant Classification Scheme 2023. Collection method: clinical testing. Allele origin: germline.

Labcorp Genetics (formerly Invitae), Labcorp
Classification: Uncertain significance. Last evaluated: 2024-10-23. Review status: criteria provided, single submitter. Criteria: Invitae Variant Classification Sherloc (09022015). Collection method: clinical testing. Allele origin: germline.
Comment: This sequence change replaces threonine, which is neutral and polar, with asparagine, which is neutral and polar, at codon 588 of the IL23R protein (p.Thr588Asn). This variant is present in population databases (rs367746671, gnomAD 0.03%). This variant has not been reported in the literature in individuals affected with IL23R-related conditions. ClinVar contains an entry for this variant (Variation ID: 2419401). An algorithm developed to predict the effect of missense changes on protein structure and function outputs the following: PolyPhen-2: "Possibly Damaging". The asparagine amino acid residue is found in multiple mammalian species, which suggests that this missense change does not adversely affect protein function. In summary, the available evidence is currently insufficient to determine the role of this variant in disease. Therefore, it has been classified as a Variant of Uncertain Significance.

NM_144701.3(IL23R):c.1763C>A (p.Thr588Asn)

Gene: IL23R (interleukin 23 receptor; plus strand). Cytogenetic location: 1p31.3.
Variant type: single nucleotide variant.
Coding change: c.1763C>A on transcript NM_144701.3 (MANE Select); coding-DNA position 1763, C replaced by A.
Protein change: p.Thr588Asn; replaces threonine 588 with asparagine.
Molecular consequence: missense variant.
Genome position (GRCh38, 1-based): chr1:67,259,001, C>A. VCF-style: chr1-67259001-C-A. GRCh37 (hg19) VCF-style: chr1-67724684-C-A.
Other names: c.1763C>A (NM_144701.2); short protein forms T588N.
Identifiers: ClinVar variation 2419401 (VCV002419401.7), dbSNP rs367746671, ClinGen allele CA900052.